The following is an entry in ClinVar:

NM_001267550.2(TTN):c.36281-9T>C

Gene: TTN (titin; minus strand). Cytogenetic location: 2q31.2.
Variant type: single nucleotide variant.
Coding change: c.36281-9T>C on transcript NM_001267550.2 (MANE Select); 9 bases into the intron before coding-DNA position 36281, T replaced by C.
Molecular consequence: intron variant.
Genome position (GRCh38, 1-based): chr2:178,664,107, A>G on the plus strand (T>C on the coding strand, the complement: TTN is on the minus strand). VCF-style: chr2-178664107-A-G. GRCh37 (hg19) VCF-style: chr2-179528834-A-G.
Other names: c.13283-21790T>C (NM_003319.4); c.13859-21790T>C (NM_133437.4); c.13658-21790T>C (NM_133432.3); c.31484-1052T>C (NM_133378.4); c.34265-1052T>C (NM_001256850.1).
Identifiers: ClinVar variation 467066 (VCV000467066.4), dbSNP rs760175676, ClinGen allele CA1997562.

ClinVar aggregate classification (germline): Uncertain significance. Review status: criteria provided, multiple submitters, no conflicts (2 of 4 stars). 2 submissions from 2 submitters: Uncertain significance (2). Last evaluated 2026-02-10.

Conditions:
TTN-related disorder. Also called: TTN-related condition; TTN-related disease; TTN-related disorders.
Autosomal recessive limb-girdle muscular dystrophy type 2J (LGMDR10). Also called: Limb-girdle muscular dystrophy, type 2J; MUSCULAR DYSTROPHY, LIMB-GIRDLE, AUTOSOMAL RECESSIVE 10. Identifiers: Orphanet 140922, MedGen C1837342, MONDO:0012127, OMIM 608807.
Dilated cardiomyopathy 1G (CMD1G). Identifiers: Orphanet 154, MedGen C1858763, MONDO:0011400, OMIM 604145.

Allele frequency attached by ClinVar (database versions not stated): gnomAD exomes 0.00002 and 0.00003; gnomAD 0.00003; TOPMed 0.00003; ExAC 0.00004.
gnomAD v4.1: 27 of 1,603,328 alleles (0.0017%); highest among the groups gnomAD compares: Admixed American, 0.012%; no homozygotes.

Submissions (2):

PreventionGenetics, part of Exact Sciences
Classification: Uncertain significance for TTN-related condition. Last evaluated: 2026-02-10. Review status: criteria provided, single submitter. Criteria: ACMG Guidelines, 2015. Collection method: clinical testing. Allele origin: germline.
Comment: The TTN c.36281-9T>C variant is predicted to interfere with splicing. This variant is predicted to impact splicing based on splicing prediction programs (SpliceAI, Jaganathan K, et al. 2019. PubMed ID: 30661751). However, the use of computer prediction programs is not equivalent to functional evidence. To our knowledge, this variant has not been reported in the literature. This variant is reported in 0.015% of alleles in individuals of Latino descent in gnomAD and is interpreted as uncertain in ClinVar (Variation ID: 467066). At this time, the clinical significance of this variant is uncertain due to the absence of conclusive functional and genetic evidence.

Labcorp Genetics (formerly Invitae), Labcorp
Classification: Uncertain significance for Dilated cardiomyopathy 1G; Autosomal recessive limb-girdle muscular dystrophy type 2J. Last evaluated: 2017-11-14. Review status: criteria provided, single submitter. Criteria: Invitae Variant Classification Sherloc (09022015). Collection method: clinical testing. Allele origin: germline.